The following is an entry in ClinVar:

NM_006445.4(PRPF8):c.3775-14T>C

Gene: PRPF8 (pre-mRNA processing factor 8; minus strand). Cytogenetic location: 17p13.3.
Variant type: single nucleotide variant.
Coding change: c.3775-14T>C on transcript NM_006445.4 (MANE Select); 14 bases into the intron before coding-DNA position 3775, T replaced by C.
Molecular consequence: intron variant.
Genome position (GRCh38, 1-based): chr17:1,662,167, A>G on the plus strand (T>C on the coding strand, the complement: PRPF8 is on the minus strand). VCF-style: chr17-1662167-A-G. GRCh37 (hg19) VCF-style: chr17-1565461-A-G.
Identifiers: ClinVar variation 321888 (VCV000321888.13), dbSNP rs3814969, ClinGen allele CA8271779.
Genomic context (GRCh38, chr17:1,662,167, plus strand): 5'-AAGTATGTCATAAGGCCAATGAGAGCTGTATTCCACTTATTCACAATCTAAAGGTAGTAG[A>G]AAAAAAAGTAAATTACAGATGAGCCAGGGGCGGGGAGGGTGGAGACTACTTGATGCAGTT-3'

ClinVar aggregate classification (germline): Benign. Review status: criteria provided, multiple submitters, no conflicts (2 of 4 stars). 3 submissions from 3 submitters: Benign (3). Last evaluated 2026-02-02.

Conditions:
Retinitis pigmentosa (RP). Identifiers: Orphanet 791, MedGen C0035334, MeSH D012174, MONDO:0019200, OMIM 268000. Inheritance: Autosomal dominant, autosomal recessive and X linked inheritance.

Allele frequency attached by ClinVar (database versions not stated): gnomAD exomes 0.03880 and 0.07137; ExAC 0.08156; gnomAD 0.17020 and 0.17793; ESP Exome Variant Server 0.17646; TOPMed 0.18612; 1000 Genomes Project 0.20807; 1000 Genomes Project 30x 0.21565.
gnomAD v4.1: 84,066 of 1,613,466 alleles (5.2%); highest among the groups gnomAD compares: African/African-American, 53%; 12,035 homozygotes.

Submissions (3):

Labcorp Genetics (formerly Invitae), Labcorp
Classification: Benign. Last evaluated: 2026-02-02. Review status: criteria provided, single submitter. Criteria: Invitae Variant Classification Sherloc (09022015). Collection method: clinical testing. Allele origin: germline.

Illumina Laboratory Services, Illumina
Classification: Benign for Retinitis pigmentosa. Last evaluated: 2018-01-13. Review status: criteria provided, single submitter. Criteria: ICSL Variant Classification Criteria 13 December 2019. Collection method: clinical testing. Allele origin: germline.
Comment: This variant was observed in the ICSL laboratory as part of a predisposition screen in an ostensibly healthy population. It had not been previously curated by ICSL or reported in the Human Gene Mutation Database (HGMD: prior to June 1st, 2018), and was therefore a candidate for classification through an automated scoring system. Utilizing variant allele frequency, disease prevalence and penetrance estimates, and inheritance mode, an automated score was calculated to assess if this variant is too frequent to cause the disease. Based on the score and internal cut-off values, a variant classified as benign is not then subjected to further curation. The score for this variant resulted in a classification of benign for this disease.

Breakthrough Genomics
Classification: Benign. Review status: criteria provided, single submitter. Criteria: ACMG Guidelines, 2015. Collection method: not provided. Allele origin: germline. Inheritance: Autosomal dominant inheritance. Affected: yes.